The following is an entry in ClinVar:

ClinVar aggregate classification (germline): Uncertain significance. Review status: criteria provided, multiple submitters, no conflicts (2 of 4 stars). 3 submissions from 3 submitters: Uncertain significance (3). Last evaluated 2024-10-15.

Conditions:
Epidermolysis bullosa simplex, Ogna type (EBS5A). Also called: Pidermolysis bullosa simplex 5A, Ogna type; EPIDERMOLYSIS BULLOSA SIMPLEX 5A, OGNA TYPE. Identifiers: Orphanet 79401, MedGen C0432317, MONDO:0007555, OMIM 131950.
Autosomal recessive limb-girdle muscular dystrophy type 2Q (LGMDR17). Also called: MUSCULAR DYSTROPHY, LIMB-GIRDLE, AUTOSOMAL RECESSIVE 17. Identifiers: Orphanet 254361, MedGen C3150989, MONDO:0013390, OMIM 613723.
Epidermolysis bullosa simplex with nail dystrophy (EBS5D). Identifiers: MedGen C4225309, MONDO:0014661, OMIM 616487.
Epidermolysis bullosa simplex 5B, with muscular dystrophy (EBS5B). Also called: Epidermolysis bullosa simplex with muscular dystrophy; EPIDERMOLYSIS BULLOSA SIMPLEX AND LIMB-GIRDLE MUSCULAR DYSTROPHY. Identifiers: Orphanet 257, MedGen C2931072, MONDO:0009181, OMIM 226670.
Epidermolysis bullosa simplex 5C, with pyloric atresia (EBS5C). Also called: PLEC-Related Epidermolysis Bullosa with Pyloric Atresia; Epidermolysis bullosa simplex with pyloric atresia; PLEC1-Related Epidermolysis Bullosa with Pyloric Atresia. Identifiers: Orphanet 158684, MedGen C2677349, MONDO:0012807, OMIM 612138.
Inborn genetic diseases. Identifiers: MedGen C0950123, MeSH D030342.

Allele frequency attached by ClinVar (database versions not stated): gnomAD exomes 0.00002; ExAC 0.00003; gnomAD 0.00005 and 0.00006; TOPMed 0.00008; 1000 Genomes Project 0.00020; 1000 Genomes Project 30x 0.00031.
gnomAD v4.1: 38 of 1,604,058 alleles (0.0024%); highest among the groups gnomAD compares: Middle Eastern, 0.016%; no homozygotes.

Submissions (3):

Labcorp Genetics (formerly Invitae), Labcorp
Classification: Uncertain significance for Autosomal recessive limb-girdle muscular dystrophy type 2Q; Epidermolysis bullosa simplex, Ogna type; Epidermolysis bullosa simplex with nail dystrophy; Epidermolysis bullosa simplex 5C, with pyloric atresia; Epidermolysis bullosa simplex 5B, with muscular dystrophy. Last evaluated: 2024-10-15. Review status: criteria provided, single submitter. Criteria: Invitae Variant Classification Sherloc (09022015). Collection method: clinical testing. Allele origin: germline.
Comment: This sequence change replaces serine, which is neutral and polar, with leucine, which is neutral and non-polar, at codon 2259 of the PLEC protein (p.Ser2259Leu). This variant is present in population databases (rs201367741, gnomAD 0.02%). This variant has not been reported in the literature in individuals affected with PLEC-related conditions. ClinVar contains an entry for this variant (Variation ID: 643273). An algorithm developed to predict the effect of missense changes on protein structure and function (PolyPhen-2) suggests that this variant is likely to be disruptive. In summary, the available evidence is currently insufficient to determine the role of this variant in disease. Therefore, it has been classified as a Variant of Uncertain Significance.

Ambry Genetics
Classification: Uncertain significance for Inborn genetic diseases. Last evaluated: 2023-11-06. Review status: criteria provided, single submitter. Criteria: Ambry Variant Classification Scheme 2023. Collection method: clinical testing. Allele origin: germline.

Revvity Omics, Revvity
Classification: Uncertain significance. Last evaluated: 2021-12-27. Review status: criteria provided, single submitter. Criteria: ACMG Guidelines, 2015. Collection method: clinical testing. Allele origin: germline.

NM_201384.3(PLEC):c.6695C>T (p.Ser2232Leu)

Gene: PLEC (plectin; minus strand). Cytogenetic location: 8q24.3.
Variant type: single nucleotide variant.
Coding change: c.6695C>T on transcript NM_201384.3 (MANE Select); coding-DNA position 6695, C replaced by T.
Protein change: p.Ser2232Leu; replaces serine 2232 with leucine.
Molecular consequence: missense variant.
Genome position (GRCh38, 1-based): chr8:143,923,234, G>A on the plus strand (C>T on the coding strand, the complement: PLEC is on the minus strand). VCF-style: chr8-143923234-G-A. GRCh37 (hg19) VCF-style: chr8-144997402-G-A.
Other names: c.6776C>T (NM_000445.3); c.6776C>T, p.Ser2259Leu (NM_000445.5); c.6653C>T, p.Ser2218Leu (NM_201378.4); c.6629C>T, p.Ser2210Leu (NM_201379.3); c.7106C>T, p.Ser2369Leu (NM_201380.4); c.6599C>T, p.Ser2200Leu (NM_201381.3); c.6695C>T, p.Ser2232Leu (NM_201382.4); c.6707C>T, p.Ser2236Leu (NM_201383.3); short protein forms S2200L, S2210L, S2232L, S2236L, S2259L, S2218L, S2369L.
Identifiers: ClinVar variation 643273 (VCV000643273.11), dbSNP rs201367741, ClinGen allele CA4925896.
Genomic context (GRCh38, chr8:143,923,234, plus strand): 5'-CGGTTCTCAGCCTCGATGCGTGCCTTGAGCTTGCTCAGCTCCTCCATCTGCACGCGCACC[G>A]AGAAGAGCTCCTCCTCCACCTGGCTGCGCTGGCGTGCGGCCTCCGTGGCCTCCGCCTTCA-3'
Protein context (NP_958786.1, residues 2222-2242): QRSQVEEELF[Ser2232Leu]VRVQMEELSK